The following is an entry in ClinVar:

ClinVar aggregate classification (germline): Uncertain significance (1 of 4 stars; one submission).

Allele frequency attached by ClinVar (database versions not stated): gnomAD exomes below 0.00001 and 0.00001.
gnomAD v4.1: 4 of 1,547,596 alleles (0.00026%); highest among the groups gnomAD compares: Non-Finnish European, 0.00035%; no homozygotes.

Submission:

Labcorp Genetics (formerly Invitae), Labcorp
Classification: Uncertain significance. Last evaluated: 2023-10-03. Review status: criteria provided, single submitter. Criteria: Invitae Variant Classification Sherloc (09022015). Collection method: clinical testing. Allele origin: germline.
Comment: This sequence change replaces threonine, which is neutral and polar, with isoleucine, which is neutral and non-polar, at codon 301 of the KPNA7 protein (p.Thr301Ile). This variant is present in population databases (no rsID available, gnomAD 0.002%). This variant has not been reported in the literature in individuals affected with KPNA7-related conditions. ClinVar contains an entry for this variant (Variation ID: 1403113). Algorithms developed to predict the effect of missense changes on protein structure and function output the following: SIFT: "Not Available"; PolyPhen-2: "Possibly Damaging"; Align-GVGD: "Not Available". The isoleucine amino acid residue is found in multiple mammalian species, which suggests that this missense change does not adversely affect protein function. Algorithms developed to predict the effect of sequence changes on RNA splicing suggest that this variant may disrupt the consensus splice site. In summary, the available evidence is currently insufficient to determine the role of this variant in disease. Therefore, it has been classified as a Variant of Uncertain Significance.

NM_001145715.3(KPNA7):c.902C>T (p.Thr301Ile)

Gene: KPNA7 (karyopherin subunit alpha 7; minus strand). Cytogenetic location: 7q22.1.
Variant type: single nucleotide variant.
Coding change: c.902C>T on transcript NM_001145715.3 (MANE Select); coding-DNA position 902, C replaced by T.
Protein change: p.Thr301Ile; replaces threonine 301 with isoleucine.
Molecular consequence: missense variant.
Genome position (GRCh38, 1-based): chr7:99,185,161, G>A on the plus strand (C>T on the coding strand, the complement: KPNA7 is on the minus strand). VCF-style: chr7-99185161-G-A. GRCh37 (hg19) VCF-style: chr7-98782784-G-A.
Other names: short protein forms T301I.
Identifiers: ClinVar variation 1403113 (VCV001403113.6), dbSNP rs1391422500, ClinGen allele CA368419546.